The following is an entry in ClinVar:

ClinVar aggregate classification (germline): Benign/Likely benign. Review status: criteria provided, multiple submitters, no conflicts (2 of 4 stars). 6 submissions from 6 submitters: Benign (3); Likely benign (3). Last evaluated 2026-09-01.

Allele frequency attached by ClinVar (database versions not stated): 1000 Genomes Project 30x 0.00437; TOPMed 0.00449; 1000 Genomes Project 0.00459; ESP Exome Variant Server 0.00614; ExAC 0.00647; gnomAD 0.00698 and 0.00721; gnomAD exomes 0.00720 and 0.00817.
gnomAD v4.1: 12,925 of 1,613,800 alleles (0.8%); highest among the groups gnomAD compares: Non-Finnish European, 0.85%; 79 homozygotes.

Submissions (6):

CeGaT Center for Human Genetics Tuebingen
Classification: Likely benign. Last evaluated: 2026-09-01. Review status: criteria provided, single submitter. Criteria: CeGaT Center For Human Genetics Tuebingen Variant Classification Criteria Version 2. Collection method: clinical testing. Allele origin: germline. Affected: yes. Observed: 15 variant alleles.
Comment: EFL1: BS2

Women's Health and Genetics/Laboratory Corporation of America, LabCorp
Classification: Likely benign. Last evaluated: 2026-02-06. Review status: criteria provided, single submitter. Criteria: LabCorp Variant Classification Summary - May 2015. Collection method: clinical testing. Allele origin: germline.
Comment: Variant summary: EFL1 c.3028G>A (p.Val1010Ile) results in a conservative amino acid change in the encoded protein sequence. Algorithms developed to predict the effect of missense changes on protein structure and function are either unavailable or do not agree on the potential impact of this missense change. The variant allele was found at a frequency of 0.0072 in 248996 control chromosomes in the gnomAD database, including 15 homozygotes. The observed variant frequency exceeds the estimated maximal expected allele frequency for disease-causing variants in EFL1. To our knowledge, no occurrence of c.3028G>A in individuals affected with EFL1-related conditions and no experimental evidence demonstrating its impact on protein function have been reported. ClinVar contains an entry for this variant (Variation ID: 715816). Based on the evidence outlined above, the variant was classified as likely benign.

Labcorp Genetics (formerly Invitae), Labcorp
Classification: Benign. Last evaluated: 2026-02-01. Review status: criteria provided, single submitter. Criteria: Invitae Variant Classification Sherloc (09022015). Collection method: clinical testing. Allele origin: germline.

Blueprint Genetics
Classification: Likely benign. Last evaluated: 2024-11-27. Review status: criteria provided, single submitter. Criteria: ACMG Guidelines, 2015. Collection method: clinical testing. Allele origin: germline.

Mayo Clinic Laboratories, Mayo Clinic
Classification: Benign. Last evaluated: 2023-12-06. Review status: criteria provided, single submitter. Criteria: ACMG Guidelines, 2015. Collection method: clinical testing. Allele origin: germline. Observed: 6 variant alleles.
Comment: BS1, BS2, BP4

Breakthrough Genomics
Classification: Benign. Review status: criteria provided, single submitter. Criteria: ACMG Guidelines, 2015. Collection method: not provided. Allele origin: germline. Inheritance: Autosomal recessive inheritance. Affected: yes.

NM_024580.6(EFL1):c.3028G>A (p.Val1010Ile)

Gene: EFL1 (elongation factor like GTPase 1; minus strand). Cytogenetic location: 15q25.2.
Variant type: single nucleotide variant.
Coding change: c.3028G>A on transcript NM_024580.6 (MANE Select); coding-DNA position 3028, G replaced by A.
Protein change: p.Val1010Ile; replaces valine 1010 with isoleucine.
Molecular consequence: missense variant. On other transcripts: non-coding transcript variant (1).
Genome position (GRCh38, 1-based): chr15:82,138,804, C>T on the plus strand (G>A on the coding strand, the complement: EFL1 is on the minus strand). VCF-style: chr15-82138804-C-T. GRCh37 (hg19) VCF-style: chr15-82431145-C-T.
Other names: p.Val1010Ile; c.2875G>A, p.Val959Ile (NM_001040610.3); c.2239G>A, p.Val747Ile (NM_001322844.2); c.3028G>A, p.Val1010Ile (NM_001322845.2); short protein forms V1010I, V959I, V747I.
Identifiers: ClinVar variation 715816 (VCV000715816.44), dbSNP rs72749527, ClinGen allele CA7697642.